The following is an entry in ClinVar:

ClinVar aggregate classification (germline): Conflicting classifications of pathogenicity. Review status: criteria provided, conflicting classifications (1 of 4 stars). 6 submissions from 5 submitters: Uncertain significance (4); Likely benign (1). 1 of the submissions does not count toward it. Last evaluated 2022-10-04.

Conditions:
Nephronophthisis. Also called: Juvenile Nephronophthisis. Identifiers: Orphanet 655, MedGen C0687120, MONDO:0019005, HP:0000090.
Jeune thoracic dystrophy. Also called: Short-rib thoracic dysplasia; Infantile thoracic dystrophy; Thoracic pelvic phalangeal dystrophy; Jeune's syndrome; Chondroectodermal dysplasia-like syndrome; Jeune syndrome. Identifiers: Orphanet 474, MedGen C0265275, MONDO:0018770.
Asphyxiating thoracic dystrophy 4 (SRTD4). Also called: SHORT-RIB THORACIC DYSPLASIA 4 WITH OR WITHOUT POLYDACTYLY; SHORT-RIB THORACIC DYSPLASIA 4. Identifiers: Orphanet 474, MedGen C3151185, MONDO:0013441, OMIM 613819.
Nephronophthisis 12 (NPHP12). Identifiers: Orphanet 655, MedGen C3151186, MONDO:0013442, OMIM 613820.
TTC21B-related disorder. Also called: TTC21B-related condition; TTC21B-related disorders.

Allele frequency attached by ClinVar (database versions not stated): gnomAD exomes 0.00004; TOPMed 0.00005; ExAC 0.00007; gnomAD 0.00007 and 0.00008.
gnomAD v4.1: 83 of 1,611,268 alleles (0.0052%); highest among the groups gnomAD compares: African/African-American, 0.0067%; no homozygotes.

Submissions (6):

Labcorp Genetics (formerly Invitae), Labcorp
Classification: Uncertain significance for Jeune thoracic dystrophy; Nephronophthisis. Last evaluated: 2022-10-04. Review status: criteria provided, single submitter. Criteria: Invitae Variant Classification Sherloc (09022015). Collection method: clinical testing. Allele origin: germline.
Comment: This sequence change falls in intron 7 of the TTC21B gene. It does not directly change the encoded amino acid sequence of the TTC21B protein. It affects a nucleotide within the consensus splice site. This variant is present in population databases (rs753275145, gnomAD 0.008%). This variant has not been reported in the literature in individuals affected with TTC21B-related conditions. ClinVar contains an entry for this variant (Variation ID: 331837). Variants that disrupt the consensus splice site are a relatively common cause of aberrant splicing (PMID: 17576681, 9536098). Algorithms developed to predict the effect of sequence changes on RNA splicing suggest that this variant is not likely to affect RNA splicing. In summary, the available evidence is currently insufficient to determine the role of this variant in disease. Therefore, it has been classified as a Variant of Uncertain Significance.

Blueprint Genetics
Classification: Likely benign. Last evaluated: 2022-08-23. Review status: criteria provided, single submitter. Criteria: ACMG Guidelines, 2015. Collection method: clinical testing. Allele origin: germline.

Fulgent Genetics
Classification: Uncertain significance for Asphyxiating thoracic dystrophy 4; Nephronophthisis 12. Last evaluated: 2022-05-23. Review status: criteria provided, single submitter. Criteria: ACMG Guidelines, 2015. Collection method: clinical testing. Allele origin: unknown.

Illumina Laboratory Services, Illumina
Classification: Uncertain significance for Asphyxiating thoracic dystrophy 4. Last evaluated: 2018-01-13. Review status: criteria provided, single submitter. Criteria: ICSL Variant Classification Criteria 13 December 2019. Collection method: clinical testing. Allele origin: germline.

Illumina Laboratory Services, Illumina
Classification: Uncertain significance for Nephronophthisis 12. Last evaluated: 2018-01-13. Review status: criteria provided, single submitter. Criteria: ICSL Variant Classification Criteria 13 December 2019. Collection method: clinical testing. Allele origin: germline.

PreventionGenetics, part of Exact Sciences
Classification: Likely benign for TTC21B-related condition. Last evaluated: 2024-07-25. Review status: no assertion criteria provided. Collection method: clinical testing. Allele origin: germline. Not counted in ClinVar's aggregate classification.
Comment: This variant is classified as likely benign based on ACMG/AMP sequence variant interpretation guidelines (Richards et al. 2015 PMID: 25741868, with internal and published modifications).

Literature cited by the submitters: PubMed 17576681 (cited by Labcorp Genetics (formerly Invitae), Labcorp); PubMed 9536098 (cited by Labcorp Genetics (formerly Invitae), Labcorp).

NM_024753.5(TTC21B):c.795+3A>G

Gene: TTC21B (tetratricopeptide repeat domain 21B; minus strand). Cytogenetic location: 2q24.3.
Variant type: single nucleotide variant.
Coding change: c.795+3A>G on transcript NM_024753.5 (MANE Select); 3 bases into the intron after coding-DNA position 795, A replaced by G.
Molecular consequence: intron variant.
Genome position (GRCh38, 1-based): chr2:165,932,970, T>C on the plus strand (A>G on the coding strand, the complement: TTC21B is on the minus strand). VCF-style: chr2-165932970-T-C. GRCh37 (hg19) VCF-style: chr2-166789480-T-C.
Identifiers: ClinVar variation 331837 (VCV000331837.12), dbSNP rs753275145, ClinGen allele CA1942342.